The following is an entry in ClinVar:

ClinVar aggregate classification (germline): Uncertain significance (1 of 4 stars; one submission).

Conditions:
Arrhythmogenic cardiomyopathy with wooly hair and keratoderma. Also called: Carvajal syndrome; PALMOPLANTAR KERATODERMA WITH LEFT VENTRICULAR CARDIOMYOPATHY AND WOOLLY HAIR; Dilated cardiomyopathy with woolly hair and keratoderma; Arrhythmogenic cardiomyopathy with woolly hair and keratoderma. Identifiers: Orphanet 65282, MedGen C1854063, MONDO:0011581, OMIM 605676.
Arrhythmogenic right ventricular dysplasia 8 (ARVD8). Also called: Arrhythmogenic Right Ventricular Dysplasia/Cardiomyopathy 8; ARRHYTHMOGENIC RIGHT VENTRICULAR DYSPLASIA, FAMILIAL, 8; ARRHYTHMOGENIC RIGHT VENTRICULAR CARDIOMYOPATHY 8. Identifiers: MedGen C1843896, MONDO:0011831, OMIM 607450.

Submission:

Labcorp Genetics (formerly Invitae), Labcorp
Classification: Uncertain significance for Arrhythmogenic cardiomyopathy with wooly hair and keratoderma; Arrhythmogenic right ventricular dysplasia 8. Last evaluated: 2025-04-17. Review status: criteria provided, single submitter. Criteria: Invitae Variant Classification Sherloc (09022015). Collection method: clinical testing. Allele origin: germline.
Comment: This sequence change replaces glutamic acid, which is acidic and polar, with aspartic acid, which is acidic and polar, at codon 422 of the DSP protein (p.Glu422Asp). This variant also falls at the last nucleotide of exon 10, which is part of the consensus splice site for this exon. This variant is not present in population databases (gnomAD no frequency). This variant has not been reported in the literature in individuals affected with DSP-related conditions. ClinVar contains an entry for this variant (Variation ID: 955229). An algorithm developed to predict the effect of missense changes on protein structure and function (PolyPhen-2) suggests that this variant is likely to be disruptive. Variants that disrupt the consensus splice site are a relatively common cause of aberrant splicing (PMID: 17576681, 9536098). Algorithms developed to predict the effect of sequence changes on RNA splicing suggest that this variant may disrupt the consensus splice site. In summary, the available evidence is currently insufficient to determine the role of this variant in disease. Therefore, it has been classified as a Variant of Uncertain Significance.

Literature cited by the submitters: PubMed 17576681; PubMed 9536098.

NM_004415.4(DSP):c.1266G>C (p.Glu422Asp)

Gene: DSP (desmoplakin; plus strand). Cytogenetic location: 6p24.3.
Variant type: single nucleotide variant.
Coding change: c.1266G>C on transcript NM_004415.4 (MANE Select); coding-DNA position 1266, G replaced by C.
Protein change: p.Glu422Asp; replaces glutamic acid 422 with aspartic acid.
Molecular consequence: missense variant.
Genome position (GRCh38, 1-based): chr6:7,567,906, G>C. VCF-style: chr6-7567906-G-C. GRCh37 (hg19) VCF-style: chr6-7568139-G-C.
Other names: c.1266G>C, p.Glu422Asp (NM_001008844.3, NM_001319034.2); short protein forms E422D.
Identifiers: ClinVar variation 955229 (VCV000955229.10), dbSNP rs1758913797, ClinGen allele CA362676266.